The following is an entry in ClinVar:

ClinVar aggregate classification (germline): Uncertain significance (1 of 4 stars; one submission).

Allele frequency attached by ClinVar (database versions not stated): gnomAD 0.00001; gnomAD exomes 0.00001; TOPMed 0.00002.
gnomAD v4.1: 22 of 1,614,018 alleles (0.0014%); highest among the groups gnomAD compares: Admixed American, 0.0033%; no homozygotes.

Submission:

Labcorp Genetics (formerly Invitae), Labcorp
Classification: Uncertain significance. Last evaluated: 2024-05-29. Review status: criteria provided, single submitter. Criteria: Invitae Variant Classification Sherloc (09022015). Collection method: clinical testing. Allele origin: germline.
Comment: This sequence change creates a premature translational stop signal (p.Arg308*) in the ANXA11 gene. It is expected to result in an absent or disrupted protein product. However, the current clinical and genetic evidence is not sufficient to establish whether loss-of-function variants in ANXA11 cause disease. This variant is present in population databases (rs766560304, gnomAD 0.0009%). This premature translational stop signal has been observed in individual(s) with ANXA11-related conditions (PMID: 35896380; Invitae). ClinVar contains an entry for this variant (Variation ID: 1443567). In summary, the available evidence is currently insufficient to determine the role of this variant in disease. Therefore, it has been classified as a Variant of Uncertain Significance.

Literature cited by the submitters: PubMed 35896380.

NM_145868.2(ANXA11):c.922C>T (p.Arg308Ter)

Gene: ANXA11 (annexin A11; minus strand). Cytogenetic location: 10q22.3.
Variant type: single nucleotide variant.
Coding change: c.922C>T on transcript NM_145868.2 (MANE Select); coding-DNA position 922, C replaced by T.
Protein change: p.Arg308Ter; replaces arginine 308 with a stop codon.
Molecular consequence: nonsense.
Genome position (GRCh38, 1-based): chr10:80,164,080, G>A on the plus strand (C>T on the coding strand, the complement: ANXA11 is on the minus strand). VCF-style: chr10-80164080-G-A. GRCh37 (hg19) VCF-style: chr10-81923836-G-A.
Other names: c.922C>T, p.Arg308Ter (NM_001157.3, NM_001278407.2, NM_001278408.2 and 1 more transcripts); c.823C>T, p.Arg275Ter (NM_001278409.2); short protein forms R275*, R308*.
Identifiers: ClinVar variation 1443567 (VCV001443567.6), dbSNP rs766560304, ClinGen allele CA210327498.